The following is an entry in ClinVar:

ClinVar aggregate classification (germline): Uncertain significance (1 of 4 stars; one submission).

Conditions:
Cardiovascular phenotype. Identifiers: MedGen CN230736.

Allele frequency attached by ClinVar (database versions not stated): ExAC 0.00001; gnomAD 0.00001; gnomAD exomes 0.00001; TOPMed 0.00001; ESP Exome Variant Server 0.00008.
gnomAD v4.1: 10 of 1,614,024 alleles (0.00062%); highest among the groups gnomAD compares: Non-Finnish European, 0.00085%; no homozygotes.

Submission:

Ambry Genetics
Classification: Uncertain significance for Cardiovascular phenotype. Last evaluated: 2020-09-10. Review status: criteria provided, single submitter. Criteria: Ambry Variant Classification Scheme 2023. Collection method: clinical testing. Allele origin: germline.
Comment: The p.K779R variant (also known as c.2336A>G), located in coding exon 13 of the TTN gene, results from an A to G substitution at nucleotide position 2336. The lysine at codon 779 is replaced by arginine, an amino acid with highly similar properties. This amino acid position is highly conserved in available vertebrate species. In addition, the in silico prediction for this alteration is inconclusive. Since supporting evidence is limited at this time, the clinical significance of this alteration remains unclear.

NM_001267550.2(TTN):c.2474A>G (p.Lys825Arg)

Gene: TTN (titin; minus strand). Cytogenetic location: 2q31.2.
Variant type: single nucleotide variant.
Coding change: c.2474A>G on transcript NM_001267550.2 (MANE Select); coding-DNA position 2474, A replaced by G.
Protein change: p.Lys825Arg; replaces lysine 825 with arginine.
Molecular consequence: missense variant.
Genome position (GRCh38, 1-based): chr2:178,785,639, T>C on the plus strand (A>G on the coding strand, the complement: TTN is on the minus strand). VCF-style: chr2-178785639-T-C. GRCh37 (hg19) VCF-style: chr2-179650366-T-C.
Other names: c.2474A>G, p.Lys825Arg (NM_001256850.1, NM_133378.4, NM_133379.5); c.2336A>G, p.Lys779Arg (NM_003319.4, NM_133432.3, NM_133437.4); short protein forms K825R, K779R.
Identifiers: ClinVar variation 1789778 (VCV001789778.2), dbSNP rs376614368, ClinGen allele CA2005821.